The following is an entry in ClinVar:

NM_000094.4(COL7A1):c.1877G>T (p.Gly626Val)

Gene: COL7A1 (collagen type VII alpha 1 chain; minus strand). Cytogenetic location: 3p21.31.
Variant type: single nucleotide variant.
Coding change: c.1877G>T on transcript NM_000094.4 (MANE Select); coding-DNA position 1877, G replaced by T.
Protein change: p.Gly626Val; replaces glycine 626 with valine.
Molecular consequence: missense variant.
Genome position (GRCh38, 1-based): chr3:48,590,488, C>A on the plus strand (G>T on the coding strand, the complement: COL7A1 is on the minus strand). VCF-style: chr3-48590488-C-A. GRCh37 (hg19) VCF-style: chr3-48627921-C-A.
Other names: short protein forms G626V.
Identifiers: ClinVar variation 2709028 (VCV002709028.3), dbSNP rs141068802, ClinGen allele CA352728029.

ClinVar aggregate classification (germline): Uncertain significance (1 of 4 stars; one submission).

Allele frequency attached by ClinVar (database versions not stated): TOPMed below 0.00001.

Submission:

Labcorp Genetics (formerly Invitae), Labcorp
Classification: Uncertain significance. Last evaluated: 2025-09-09. Review status: criteria provided, single submitter. Criteria: Invitae Variant Classification Sherloc (09022015). Collection method: clinical testing. Allele origin: germline.
Comment: This sequence change replaces glycine, which is neutral and non-polar, with valine, which is neutral and non-polar, at codon 626 of the COL7A1 protein (p.Gly626Val). This variant is not present in population databases (gnomAD no frequency). This variant has not been reported in the literature in individuals affected with COL7A1-related conditions. ClinVar contains an entry for this variant (Variation ID: 2709028). Invitae Evidence Modeling of protein sequence and biophysical properties (such as structural, functional, and spatial information, amino acid conservation, physicochemical variation, residue mobility, and thermodynamic stability) indicates that this missense variant is not expected to disrupt COL7A1 protein function with a negative predictive value of 95%. In summary, the available evidence is currently insufficient to determine the role of this variant in disease. Therefore, it has been classified as a Variant of Uncertain Significance.